The following is an entry in ClinVar:

ClinVar aggregate classification (germline): Uncertain significance. Review status: criteria provided, multiple submitters, no conflicts (2 of 4 stars). 3 submissions from 3 submitters: Uncertain significance (3). Last evaluated 2026-02-13.

Conditions:
KIZ-related disorder. Also called: KIZ-related condition.

Allele frequency attached by ClinVar (database versions not stated): gnomAD exomes below 0.00001 and 0.00001; gnomAD 0.00001; TOPMed 0.00002.
gnomAD v4.1: 13 of 1,610,536 alleles (0.00081%); highest among the groups gnomAD compares: Middle Eastern, 0.016%; no homozygotes.

Submissions (3):

PreventionGenetics, part of Exact Sciences
Classification: Uncertain significance for KIZ-related condition. Last evaluated: 2026-02-13. Review status: criteria provided, single submitter. Criteria: ACMG Guidelines, 2015. Collection method: clinical testing. Allele origin: germline.
Comment: The KIZ c.709C>A variant is predicted to result in the amino acid substitution p.Pro237Thr. This variant was previously described in the heterozygous state in a large cohort of individuals with cone-rod dystrophy (supplementary data, El Shamieh et al. 2014. PubMed ID: 24680887). This variant is reported in 0.0029% of alleles in individuals of Latino descent in gnomAD. At this time, the clinical significance of this variant is uncertain due to the absence of conclusive functional and genetic evidence.

Labcorp Genetics (formerly Invitae), Labcorp
Classification: Uncertain significance. Last evaluated: 2025-02-03. Review status: criteria provided, single submitter. Criteria: Invitae Variant Classification Sherloc (09022015). Collection method: clinical testing. Allele origin: germline.
Comment: This sequence change replaces proline, which is neutral and non-polar, with threonine, which is neutral and polar, at codon 237 of the KIZ protein (p.Pro237Thr). The frequency data for this variant in the population databases is considered unreliable, as metrics indicate poor data quality at this position in the gnomAD database. This variant has not been reported in the literature in individuals affected with KIZ-related conditions. ClinVar contains an entry for this variant (Variation ID: 1464353). Experimental studies and prediction algorithms are not available or were not evaluated, and the functional significance of this variant is currently unknown. In summary, the available evidence is currently insufficient to determine the role of this variant in disease. Therefore, it has been classified as a Variant of Uncertain Significance.

Blueprint Genetics
Classification: Uncertain significance. Last evaluated: 2023-03-15. Review status: criteria provided, single submitter. Criteria: ACMG Guidelines, 2015. Collection method: clinical testing. Allele origin: germline.

NM_018474.6(KIZ):c.709C>A (p.Pro237Thr)

Gene: KIZ (kizuna centrosomal protein; plus strand). Cytogenetic location: 20p11.23.
Variant type: single nucleotide variant.
Coding change: c.709C>A on transcript NM_018474.6 (MANE Select); coding-DNA position 709, C replaced by A.
Protein change: p.Pro237Thr; replaces proline 237 with threonine.
Molecular consequence: missense variant.
Genome position (GRCh38, 1-based): chr20:21,162,174, C>A. VCF-style: chr20-21162174-C-A. GRCh37 (hg19) VCF-style: chr20-21142815-C-A.
Other names: c.400C>A, p.Pro134Thr (NM_001163022.3, NM_001352435.2); c.310C>A, p.Pro104Thr (NM_001163023.3); c.562C>A, p.Pro188Thr (NM_001276389.2); c.709C>A, p.Pro237Thr (NM_001352434.2); c.367C>A, p.Pro123Thr (NM_001352436.2); c.709C>A (NM_018474.5); short protein forms P123T, P188T, P237T, P104T, P134T.
Identifiers: ClinVar variation 1464353 (VCV001464353.8), dbSNP rs893486178, ClinGen allele CA312979709.
Genomic context (GRCh38, chr20:21,162,174, plus strand): 5'-TGCTTAAATAAGTCTGACAACATAGATGGAAAGGCATCTCTTCAGATTGGTGAGAAAATG[C>A]CAGTCACAGCCAGTGTATTGTCTGAGGAGGAACAAACTCATTGCTTGGAGATAGGAAGTA-3'
Protein context (NP_060944.3, residues 227-247): KASLQIGEKM[Pro237Thr]VTASVLSEEE